The following is an entry in ClinVar:

ClinVar aggregate classification (germline): Conflicting classifications of pathogenicity. Review status: criteria provided, conflicting classifications (1 of 4 stars). 2 submissions from 2 submitters: Uncertain significance (1); Benign (1). Last evaluated 2022-09-05.

Conditions:
Cystic fibrosis (CF). Also called: MUCOVISCIDOSIS. Identifiers: Orphanet 586, MedGen C0010674, MONDO:0009061, OMIM 219700. Disease mechanism: loss of function.

Allele frequency attached by ClinVar (database versions not stated): gnomAD 0.00018 and 0.00019; 1000 Genomes Project 30x 0.00016; TOPMed 0.00027; gnomAD exomes 0.00018; 1000 Genomes Project 0.00020.
gnomAD v4.1: 183 of 915,110 alleles (0.02%); highest among the groups gnomAD compares: Middle Eastern, 0.23%; 1 homozygote.

Submissions (2):

Institute of Human Genetics, University of Leipzig Medical Center
Classification: Uncertain significance for Cystic fibrosis. Last evaluated: 2022-09-05. Review status: criteria provided, single submitter. Criteria: ACMG Guidelines, 2015. Collection method: curation. Allele origin: unknown. Affected: yes. Observed: 1 variant allele.
Comment: The variant was classified in the context of a project re-classifying variants in the German Cystic Fibrosis Registry (Muko.e.V.). Criteria applied: BP2, PM2_SUP

CFTR-France
Classification: Benign for cystic fibrosis. Last evaluated: 2018-01-29. Review status: criteria provided, single submitter. Criteria: Claustres M et al. (Hum Mutat 2017). Collection method: curation. Allele origin: germline. Affected: no.
Comment: the variant does not result in CFTR-RD neither

NM_000492.4(CFTR):c.3963+69A>G

Gene: CFTR (CF transmembrane conductance regulator; plus strand). Cytogenetic location: 7q31.2.
Variant type: single nucleotide variant.
Coding change: c.3963+69A>G on transcript NM_000492.4 (MANE Select); 69 bases into the intron after coding-DNA position 3963, A replaced by G.
Molecular consequence: intron variant.
Genome position (GRCh38, 1-based): chr7:117,653,000, A>G. VCF-style: chr7-117653000-A-G. GRCh37 (hg19) VCF-style: chr7-117293054-A-G.
Identifiers: ClinVar variation 818091 (VCV000818091.2), dbSNP rs540577876, ClinGen allele CA164952938.
Genomic context (GRCh38, chr7:117,653,000, plus strand): 5'-GCTAACTGAAATGATTTTGAAAGGGGTAACTCATACCAACACAAATGGCTGATATAGCTG[A>G]CATCATTCTACACACTTTGTGTGCATGTATGTGTGTGCACAACTTTAAAATGGAGTACCC-3'